The following is an entry in ClinVar:

ClinVar aggregate classification (germline): Pathogenic (1 of 4 stars; one submission).

Conditions:
Congenital lactic acidosis, Saguenay-Lac-Saint-Jean type (MC4DN5). Also called: CYTOCHROME c OXIDASE DEFICIENCY, FRENCH CANADIAN TYPE; COX DEFICIENCY, FRENCH CANADIAN TYPE; MITOCHONDRIAL COMPLEX IV DEFICIENCY, NUCLEAR TYPE 5. Identifiers: Orphanet 70472, MedGen C1857355, MONDO:0009069, OMIM 220111.

Submission:

Myriad Genetics, Inc.
Classification: Pathogenic for Congenital lactic acidosis, Saguenay-Lac-Saint-Jean type. Last evaluated: 2026-04-26. Review status: criteria provided, single submitter. Criteria: Myriad Autosomal Dominant, Autosomal Recessive and X-Linked Classification Criteria (2023). Collection method: clinical testing. Allele origin: unknown.
Comment: NM_133259.3(LRPPRC):c.775_781del7(R259Pfs*14) is expected to be pathogenic in the context of Leigh syndrome, French-Canadian type. This variant is predicted to lead to an abnormal or absent protein product due to the creation of a premature termination codon in LRPPRC, a gene where loss-of-function variants are known to be pathogenic. Please note: this variant was assessed in the context of healthy population screening.

NM_133259.4(LRPPRC):c.775_781del (p.Arg259fs)

Gene: LRPPRC (leucine rich pentatricopeptide repeat containing; minus strand). Cytogenetic location: 2p21.
Variant type: Deletion.
Coding change: c.775_781del on transcript NM_133259.4 (MANE Select); coding-DNA positions 775 to 781, 7 bases deleted (AGAGATG; older notation c.775_781delAGAGATG).
Protein change: p.Arg259fs; shifts the reading frame from arginine 259.
Molecular consequence: frameshift variant.
Genome position (GRCh38, 1-based): chr2:43,975,174-43,975,180, CATCTCT deleted on the plus strand (AGAGATG on the coding strand, the reverse complement: LRPPRC is on the minus strand); deleting any 7 consecutive bases within chr2:43,975,174-43,975,184 gives the same sequence; the c. name uses the placement nearest the transcript's 3' end. VCF-style (leftmost placement, unchanged base first): chr2-43975173-GCATCTCT-G. GRCh37 (hg19) VCF-style: chr2-44202312-GCATCTCT-G.
Other names: short protein forms R259fs.
Identifiers: ClinVar variation 5015833 (VCV005015833.1).